The following is an entry in ClinVar:

NM_000169.3(GLA):c.1228A>C (p.Thr410Pro)

Genes: GLA (galactosidase alpha; minus strand), RPL36A-HNRNPH2 (RPL36A-HNRNPH2 readthrough; plus strand). Cytogenetic location: Xq22.1.
Variant type: single nucleotide variant.
Coding change: c.1228A>C on transcript NM_000169.3 (MANE Select); coding-DNA position 1228, A replaced by C.
Protein change: p.Thr410Pro; replaces threonine 410 with proline.
Molecular consequence: missense variant. On other transcripts: non-coding transcript variant (3), intron variant (2).
Genome position (GRCh38, 1-based): chrX:101,397,871, T>G on the plus strand (A>C on the coding strand, the complement: GLA is on the minus strand). VCF-style: chrX-101397871-T-G. GRCh37 (hg19) VCF-style: chrX-100652859-T-G.
Other names: c.1351A>C, p.Thr451Pro (NM_001406747.1); c.300+2414T>G (NM_001199973.2); c.177+6049T>G (NM_001199974.2); short protein forms T410P, T451P.
Identifiers: ClinVar variation 4087666 (VCV004087666.2).

ClinVar aggregate classification (germline): Pathogenic (1 of 4 stars; one submission).

Conditions:
Fabry disease. Also called: ALPHA-GALACTOSIDASE A DEFICIENCY; ANDERSON-FABRY DISEASE; CERAMIDE TRIHEXOSIDASE DEFICIENCY; GLA DEFICIENCY; HEREDITARY DYSTOPIC LIPIDOSIS; Angiokeratoma corporis diffusum. Identifiers: Orphanet 324, MedGen C0002986, MONDO:0010526, OMIM 301500, HP:0001071. Disease mechanism: Fabry disease is due to inactivating mutations in the X-linked GLA gene resulting in deficiency of the enzyme Alpha Galactosidase-A., loss of function.

Submission:

Genomenon, Inc
Classification: Pathogenic for Fabry disease. Last evaluated: 2026-09-08. Review status: criteria provided, single submitter. Criteria: Genomenon Sequence Variant Interpretation Standards - Updated. Collection method: curation. Allele origin: germline. Affected: yes.
Comment: GLA p.Thr410Pro (c.1228A>C) is a missense variant that changes the amino acid at codon 410 from Threonine to Proline. This variant has been observed in at least one proband with clinical features consistent with Fabry disease (PMID:18205205;31941943). The variant was found to segregate with disease in at least one affected family (PMID:18205205). At least one functional study has demonstrated a substantial alteration in protein function relative to the wild-type (PMID:18205205;27657681). It is absent or not present at a significant frequency in gnomAD. In silico models predict that this variant is possibly or probably damaging. In conclusion, we classify GLA p.Thr410Pro (c.1228A>C) as a pathogenic variant.

Literature cited by the submitters: PubMed 18205205; PubMed 31941943; PubMed 27657681.